The following is an entry in ClinVar:

ClinVar aggregate classification (germline): Uncertain significance (1 of 4 stars; one submission).

Conditions:
NR2F2-related disorder. Also called: NR2F2-related condition.

gnomAD v4.1: 1 of 1,614,188 alleles (0.000062%); highest among the groups gnomAD compares: Admixed American, 0.0017%; no homozygotes.

Submission:

PreventionGenetics, part of Exact Sciences
Classification: Uncertain significance for NR2F2-related condition. Last evaluated: 2026-02-25. Review status: criteria provided, single submitter. Criteria: ACMG Guidelines, 2015. Collection method: clinical testing. Allele origin: germline.
Comment: The NR2F2 c.353A>G variant is predicted to result in the amino acid substitution p.Asn118Ser. To our knowledge, this variant has not been reported in the literature or in a large population database (gnomAD), indicating this variant is rare. At this time, the clinical significance of this variant is uncertain due to the absence of conclusive functional and genetic evidence.

NM_021005.4(NR2F2):c.353A>G (p.Asn118Ser)

Gene: NR2F2 (nuclear receptor subfamily 2 group F member 2; plus strand). Cytogenetic location: 15q26.2.
Variant type: single nucleotide variant.
Coding change: c.353A>G on transcript NM_021005.4 (MANE Select); coding-DNA position 353, A replaced by G.
Protein change: p.Asn118Ser; replaces asparagine 118 with serine.
Molecular consequence: missense variant. On other transcripts: intron variant (1).
Genome position (GRCh38, 1-based): chr15:96,332,458, A>G. VCF-style: chr15-96332458-A-G. GRCh37 (hg19) VCF-style: chr15-96875687-A-G.
Other names: c.44-1618A>G (NM_001145155.2); short protein forms N118S.
Identifiers: ClinVar variation 4985068 (VCV004985068.1).
Genomic context (GRCh38, chr15:96,332,458, plus strand): 5'-GCTGCAAGAGCTTCTTCAAGCGCAGCGTGCGGAGGAACCTGAGCTACACGTGCCGCGCCA[A>G]CCGGAACTGTCCCATCGACCAGCACCATCGCAACCAGTGCCAGTACTGCCGCCTCAAAAA-3'
Protein context (NP_066285.1, residues 108-128): RRNLSYTCRA[Asn118Ser]RNCPIDQHHR